The following is an entry in ClinVar:

NM_001370259.2(MEN1):c.1050-3C>T

Gene: MEN1 (menin 1; minus strand). Cytogenetic location: 11q13.1.
Variant type: single nucleotide variant.
Coding change: c.1050-3C>T on transcript NM_001370259.2 (MANE Select); 3 bases into the intron before coding-DNA position 1050, C replaced by T.
Molecular consequence: intron variant.
Genome position (GRCh38, 1-based): chr11:64,805,773, G>A on the plus strand (C>T on the coding strand, the complement: MEN1 is on the minus strand). VCF-style: chr11-64805773-G-A. GRCh37 (hg19) VCF-style: chr11-64573245-G-A.
Other names: c.1065-3C>T (NM_130804.3, NM_130803.3, NM_000244.4 and 3 more transcripts); c.1050-3C>T (NM_130799.3, NM_001370260.2, NM_001370261.2 and 1 more transcripts); c.1176-3C>T (NM_001370251.2); c.945-3C>T (NM_001370263.2, NM_001370262.2).
Identifiers: ClinVar variation 1393981 (VCV001393981.7), dbSNP rs2136111597, ClinGen allele CA2573147450.
Genomic context (GRCh38, chr11:64,805,773, plus strand): 5'-ATTGGCTACTTCAAAGAACTCCTTGTAGATCTCCTCGTCTTCCCGGCAGTAGTTGTAGCT[G>A]TGAGAGCAGTGGGGTCTCTGTAGGGTCTGAAGGGGTCTCACCATCGGGGGTAGCCCCAGG-3'

ClinVar aggregate classification (germline): Uncertain significance. Review status: criteria provided, multiple submitters, no conflicts (2 of 4 stars). 2 submissions from 2 submitters: Uncertain significance (2). Last evaluated 2022-12-08.

Conditions:
Hereditary cancer-predisposing syndrome. Also called: Hereditary neoplastic syndrome; Neoplastic Syndromes, Hereditary; Hereditary Cancer Syndrome; Tumor predisposition. Identifiers: Orphanet 140162, MedGen C0027672, MeSH D009386, MONDO:0015356.
Multiple endocrine neoplasia, type 1 (MEN1). Also called: MEN I; WERMER SYNDROME; Endocrine adenomatosis multiple; MEN 1; MEA I. Identifiers: Orphanet 652, MedGen C0025267, MeSH D018761, MONDO:0007540, OMIM 131100.

Submissions (2):

Ambry Genetics
Classification: Uncertain significance for Hereditary cancer-predisposing syndrome. Last evaluated: 2022-12-08. Review status: criteria provided, single submitter. Criteria: Ambry Variant Classification Scheme 2023. Collection method: clinical testing. Allele origin: germline.
Comment: The c.1050-3C>T intronic variant results from a C to T substitution 3 nucleotides before coding exon 7 in the MEN1 gene. This nucleotide position is well conserved in available vertebrate species. In silico splice site analysis predicts that this alteration will not have any significant effect on splicing. Since supporting evidence is limited at this time, the clinical significance of this alteration remains unclear.

Labcorp Genetics (formerly Invitae), Labcorp
Classification: Uncertain significance for Multiple endocrine neoplasia, type 1. Last evaluated: 2021-11-17. Review status: criteria provided, single submitter. Criteria: Invitae Variant Classification Sherloc (09022015). Collection method: clinical testing. Allele origin: germline.
Comment: This sequence change falls in intron 7 of the MEN1 gene. It does not directly change the encoded amino acid sequence of the MEN1 protein. It affects a nucleotide within the consensus splice site. This variant is not present in population databases (gnomAD no frequency). This variant has not been reported in the literature in individuals affected with MEN1-related conditions. Variants that disrupt the consensus splice site are a relatively common cause of aberrant splicing (PMID: 17576681, 9536098). Algorithms developed to predict the effect of sequence changes on RNA splicing suggest that this variant may disrupt the consensus splice site. In summary, the available evidence is currently insufficient to determine the role of this variant in disease. Therefore, it has been classified as a Variant of Uncertain Significance.

Literature cited by the submitters: PubMed 17576681 (cited by Labcorp Genetics (formerly Invitae), Labcorp); PubMed 9536098 (cited by Labcorp Genetics (formerly Invitae), Labcorp).